The following is an entry in ClinVar:

NM_001130987.2(DYSF):c.1229G>A (p.Gly410Glu)

Gene: DYSF (dysferlin; plus strand). Cytogenetic location: 2p13.2.
Variant type: single nucleotide variant.
Coding change: c.1229G>A on transcript NM_001130987.2 (MANE Select); coding-DNA position 1229, G replaced by A.
Protein change: p.Gly410Glu; replaces glycine 410 with glutamic acid.
Molecular consequence: missense variant.
Genome position (GRCh38, 1-based): chr2:71,526,299, G>A. VCF-style: chr2-71526299-G-A. GRCh37 (hg19) VCF-style: chr2-71753429-G-A.
Other names: c.1136G>A, p.Gly379Glu (NM_001130455.2, NM_001130983.2, NM_001130984.2 and 1 more transcripts); c.1133G>A, p.Gly378Glu (NM_001130976.2, NM_001130977.2, NM_001130978.2 and 1 more transcripts); c.1226G>A, p.Gly409Glu (NM_001130979.2, NM_001130980.2, NM_001130981.2); c.1229G>A, p.Gly410Glu (NM_001130982.2, NM_001130985.2); short protein forms G378E, G410E, G379E, G409E.
Identifiers: ClinVar variation 284934 (VCV000284934.18), dbSNP rs746610724, ClinGen allele CA1705655.

ClinVar aggregate classification (germline): Conflicting classifications of pathogenicity. Review status: criteria provided, conflicting classifications (1 of 4 stars). 6 submissions from 6 submitters: Uncertain significance (4); Likely benign (1). 1 of the submissions does not count toward it. Last evaluated 2025-11-29.

Conditions:
Neuromuscular disease caused by qualitative or quantitative defects of dysferlin. Also called: Dysferlinopathy; Qualitative or quantitative defects of dysferlin. Identifiers: Orphanet 207073, MedGen C2931687, MONDO:0016145.
Inborn genetic diseases. Identifiers: MedGen C0950123, MeSH D030342.
Autosomal recessive limb-girdle muscular dystrophy. Identifiers: Orphanet 102015, MedGen C2931907, MONDO:0015152.
Autosomal recessive limb-girdle muscular dystrophy type 2B (LGMDR2). Also called: Limb-Girdle Muscular Dystrophy Type 2B (LGMD2B); Limb-girdle muscular dystrophy, type 2B; MUSCULAR DYSTROPHY, LIMB-GIRDLE, TYPE 3; MUSCULAR DYSTROPHY, LIMB-GIRDLE, AUTOSOMAL RECESSIVE 2. Identifiers: Orphanet 268, MedGen C1850889, MONDO:0009676, OMIM 253601.

Allele frequency attached by ClinVar (database versions not stated): gnomAD 0.00001; TOPMed 0.00004; gnomAD exomes 0.00006 and 0.00015; ExAC 0.00008.
gnomAD v4.1: 39 of 1,614,100 alleles (0.0024%); highest among the groups gnomAD compares: Admixed American, 0.063%; no homozygotes.

Submissions (6):

Labcorp Genetics (formerly Invitae), Labcorp
Classification: Likely benign for Neuromuscular disease caused by qualitative or quantitative defects of dysferlin. Last evaluated: 2025-11-29. Review status: criteria provided, single submitter. Criteria: Invitae Variant Classification Sherloc (09022015). Collection method: clinical testing. Allele origin: germline.

Myriad Genetics, Inc.
Classification: Uncertain significance for Autosomal recessive limb-girdle muscular dystrophy. Last evaluated: 2025-09-29. Review status: criteria provided, single submitter. Criteria: Myriad Autosomal Dominant, Autosomal Recessive and X-Linked Classification Criteria (2023). Collection method: clinical testing. Allele origin: unknown.
Comment: NM_003494.3(DYSF):c.1133G>A(G378E) is a missense variant classified as a variant of uncertain significance in the context of dysferlinopathy. G378E has been observed in cases with relevant disease (PMID: 39678382). Relevant functional assessments of this variant are not available in the literature. G378E has been observed in referenced population frequency databases. In summary, there is insufficient evidence to classify NM_003494.3(DYSF):c.1133G>A(G378E) as pathogenic or benign. Please note: this variant was assessed in the context of healthy population screening.

Revvity Omics, Revvity
Classification: Uncertain significance. Last evaluated: 2024-07-10. Review status: criteria provided, single submitter. Criteria: ACMG Guidelines, 2015. Collection method: clinical testing. Allele origin: germline.

Ambry Genetics
Classification: Uncertain significance for Inborn genetic diseases. Last evaluated: 2022-01-19. Review status: criteria provided, single submitter. Criteria: Ambry Variant Classification Scheme 2023. Collection method: clinical testing. Allele origin: germline.

Eurofins Ntd Llc (ga)
Classification: Uncertain significance. Last evaluated: 2015-12-08. Review status: criteria provided, single submitter. Criteria: EGL Classification Definitions 2015. Collection method: clinical testing. Allele origin: germline. Observed: 1 variant allele, 1 heterozygote.

Natera, Inc.
Classification: Uncertain significance for Limb-girdle muscular dystrophy type 2B. Last evaluated: 2019-10-28. Review status: no assertion criteria provided. Collection method: clinical testing. Allele origin: germline. Not counted in ClinVar's aggregate classification.

Literature cited by the submitters: PubMed 39678382 (cited by Myriad Genetics, Inc.).